The following is an entry in ClinVar:

ClinVar aggregate classification (germline): Uncertain significance (1 of 4 stars; one submission).

Conditions:
Hereditary cancer-predisposing syndrome. Also called: Neoplastic Syndromes, Hereditary; Tumor predisposition; Hereditary neoplastic syndrome; Hereditary Cancer Syndrome. Identifiers: Orphanet 140162, MedGen C0027672, MeSH D009386, MONDO:0015356.

Submission:

Ambry Genetics
Classification: Uncertain significance for Hereditary cancer-predisposing syndrome. Last evaluated: 2024-05-04. Review status: criteria provided, single submitter. Criteria: Ambry Variant Classification Scheme 2023. Collection method: clinical testing. Allele origin: germline.
Comment: The p.H469N variant (also known as c.1405C>A), located in coding exon 5 of the AXIN2 gene, results from a C to A substitution at nucleotide position 1405. The histidine at codon 469 is replaced by asparagine, an amino acid with similar properties. This amino acid position is conserved. In addition, this alteration is predicted to be tolerated by in silico analysis. Based on the available evidence, the clinical significance of this variant remains unclear.

NM_004655.4(AXIN2):c.1405C>A (p.His469Asn)

Gene: AXIN2 (axin 2; minus strand). Cytogenetic location: 17q24.1.
Variant type: single nucleotide variant.
Coding change: c.1405C>A on transcript NM_004655.4 (MANE Select); coding-DNA position 1405, C replaced by A.
Protein change: p.His469Asn; replaces histidine 469 with asparagine.
Molecular consequence: missense variant.
Genome position (GRCh38, 1-based): chr17:65,537,631, G>T on the plus strand (C>A on the coding strand, the complement: AXIN2 is on the minus strand). VCF-style: chr17-65537631-G-T. GRCh37 (hg19) VCF-style: chr17-63533749-G-T.
Other names: c.1405C>A, p.His469Asn (NM_001363813.1); short protein forms H469N.
Identifiers: ClinVar variation 3335740 (VCV003335740.1).